The following is an entry in ClinVar:

ClinVar aggregate classification (germline): Uncertain significance (1 of 4 stars; one submission).

Conditions:
Congenital myasthenic syndrome 8. Also called: MYASTHENIC SYNDROME, CONGENITAL, DUE TO AGRIN DEFICIENCY; Myasthenic syndrome, congenital, 8, with pre- and postsynaptic defects. Identifiers: Orphanet 590, MedGen C3808739, MONDO:0014052, OMIM 615120.

Submission:

Labcorp Genetics (formerly Invitae), Labcorp
Classification: Uncertain significance for Congenital myasthenic syndrome 8. Last evaluated: 2022-08-16. Review status: criteria provided, single submitter. Criteria: Invitae Variant Classification Sherloc (09022015). Collection method: clinical testing. Allele origin: unknown.
Comment: This variant results in a copy number gain of the genomic region encompassing exon(s) 17-36 of the AGRN gene. This region includes the termination codon of the gene. This copy number gain extends beyond the assayed region for this gene and therefore may encompass additional genes. As the precise location of this event is unknown, it may be in tandem or it may be located elsewhere in the genome. In summary, the available evidence is currently insufficient to determine the role of this variant in disease. Therefore, it has been classified as a Variant of Uncertain Significance. Experimental studies and prediction algorithms are not available or were not evaluated, and the functional significance of this variant is currently unknown. This variant has not been reported in the literature in individuals affected with AGRN-related conditions.

NC_000001.10:g.(?_981520)_(990361_?)dup

Gene: AGRN (agrin; plus strand). Cytogenetic location: 1p36.33.
Variant type: Duplication.
Identifiers: ClinVar variation 3247825 (VCV003247825.1).